The following is an entry in ClinVar:

NM_000202.8(IDS):c.1270del (p.Val424fs)

Gene: IDS (iduronate 2-sulfatase; minus strand). Cytogenetic location: Xq28.
Variant type: Deletion.
Coding change: c.1270del on transcript NM_000202.8 (MANE Select); coding-DNA position 1270, one base deleted (G; older notation c.1270delG).
Protein change: p.Val424fs; shifts the reading frame from valine 424.
Molecular consequence: frameshift variant.
Genome position (GRCh38, 1-based): chrX:149,483,129, C deleted on the plus strand (G on the coding strand, the reverse complement: IDS is on the minus strand). VCF-style (leftmost placement, unchanged base first): chrX-149483128-AC-A. GRCh37 (hg19) VCF-style: chrX-148564659-AC-A.
Other names: c.1000del, p.Val334fs (NM_001166550.4); short protein forms V334fs, V424fs.
Identifiers: ClinVar variation 3256009 (VCV003256009.2).

ClinVar aggregate classification (germline): Pathogenic (1 of 4 stars; one submission).

Conditions:
Mucopolysaccharidosis, MPS-II (MPS2). Also called: Hunter Syndrome; IDURONATE 2-SULFATASE DEFICIENCY; Mucopolysaccharidosis Type II; Mucopolysaccharidosis type 2; Attenuated MPS (subtype; formerly known as mild MPS II); Severe MPS II. Identifiers: Orphanet 580, Orphanet 79388, MedGen C0026705, MONDO:0010674, OMIM 309900.

Submission:

Laboratory of Diagnosis and Therapy of Lysosomal Disorders, University of Padova
Classification: Pathogenic for Mucopolysaccharidosis, MPS-II. Last evaluated: 2024-06-07. Review status: criteria provided, single submitter. Criteria: ACMG Guidelines, 2015. Collection method: literature only. Allele origin: germline. Affected: yes. Observed: 2 variant alleles.
Comment: Null variant (PVS1_Strong), Absent from controls (or at low frequency) in gnomAD database (PM2_Moderate), Patient’s phenotype or family history highly specific for the disease (PP4_Strong)

Classification method: ACMG Guidelines [PMID:25741868] with modifications

Literature cited by the submitters: PubMed 21910981; PubMed 36945845.